The following is an entry in ClinVar:

NM_004320.6(ATP2A1):c.631-17C>T

Gene: ATP2A1 (ATPase sarcoplasmic/endoplasmic reticulum Ca2+ transporting 1; plus strand). Cytogenetic location: 16p11.2.
Variant type: single nucleotide variant.
Coding change: c.631-17C>T on transcript NM_004320.6 (MANE Select); 17 bases into the intron before coding-DNA position 631, C replaced by T.
Molecular consequence: intron variant.
Genome position (GRCh38, 1-based): chr16:28,887,408, C>T. VCF-style: chr16-28887408-C-T. GRCh37 (hg19) VCF-style: chr16-28898729-C-T.
Other names: c.631-17C>T (NM_173201.5); c.256-17C>T (NM_001286075.2).
Identifiers: ClinVar variation 508432 (VCV000508432.12), dbSNP rs186636950, ClinGen allele CA7986736.
Genomic context (GRCh38, chr16:28,887,408, plus strand): 5'-GAGAAGAGATGGCGTGGGGAGATGCGGCATGAGGGTCACCTCTTGCCTGATTCCCTGCCT[C>T]CTCTTTCCCTTCCCAGGGCACCAACATTGCAGCCGGCAAGGCCTTGGGCATCGTGGCCAC-3'

ClinVar aggregate classification (germline): Likely benign. Review status: criteria provided, multiple submitters, no conflicts (2 of 4 stars). 2 submissions from 2 submitters: Likely benign (2). Last evaluated 2025-12-20.

Conditions:
Brody myopathy. Also called: BRODY DISEASE. Identifiers: Orphanet 53347, MedGen C1832918, MONDO:0010977, OMIM 601003.

Allele frequency attached by ClinVar (database versions not stated): gnomAD exomes 0.00007 and 0.00026; gnomAD 0.00017 and 0.00019; ExAC 0.00023; TOPMed 0.00026; 1000 Genomes Project 0.00040; 1000 Genomes Project 30x 0.00062.
gnomAD v4.1: 142 of 1,614,000 alleles (0.0088%); highest among the groups gnomAD compares: Admixed American, 0.13%; 1 homozygote.

Submissions (2):

Labcorp Genetics (formerly Invitae), Labcorp
Classification: Likely benign for Brody myopathy. Last evaluated: 2025-12-20. Review status: criteria provided, single submitter. Criteria: Invitae Variant Classification Sherloc (09022015). Collection method: clinical testing. Allele origin: germline.

GeneDx
Classification: Likely benign. Last evaluated: 2017-03-28. Review status: criteria provided, single submitter. Criteria: GeneDx Variant Classification (06012015). Collection method: clinical testing. Allele origin: germline. Affected: yes.
Comment: This variant is considered likely benign or benign based on one or more of the following criteria: it is a conservative change, it occurs at a poorly conserved position in the protein, it is predicted to be benign by multiple in silico algorithms, and/or has population frequency not consistent with disease.